The following is an entry in ClinVar:

ClinVar aggregate classification (germline): Likely pathogenic (1 of 4 stars; one submission).

Conditions:
Hermansky-Pudlak syndrome 3 (HPS3). Identifiers: Orphanet 231512, Orphanet 79430, MedGen C3888001, MONDO:0013555, OMIM 614072.

Submission:

Myriad Genetics, Inc.
Classification: Likely pathogenic for Hermansky-Pudlak syndrome 3. Last evaluated: 2022-02-28. Review status: criteria provided, single submitter. Criteria: Myriad Women's Health Autosomal Recessive and X-Linked Classification Criteria (2021). Collection method: clinical testing. Allele origin: unknown.
Comment: NM_032383.3(HPS3):c.1275T>A(C425*) is expected to be pathogenic in the context of Hermansky-Pudlak syndrome type 3. This variant is predicted to lead to an abnormal or absent protein product due to the creation of a premature termination codon in HPS3, a gene where loss-of-function variants are known to be pathogenic. Please note: this variant was assessed in the context of healthy population screening.

NM_032383.5(HPS3):c.1275T>A (p.Cys425Ter)

Gene: HPS3 (HPS3 biogenesis of lysosomal organelles complex 2 subunit 1; plus strand). Cytogenetic location: 3q24.
Variant type: single nucleotide variant.
Coding change: c.1275T>A on transcript NM_032383.5 (MANE Select); coding-DNA position 1275, T replaced by A.
Protein change: p.Cys425Ter; replaces cysteine 425 with a stop codon.
Molecular consequence: nonsense.
Genome position (GRCh38, 1-based): chr3:149,153,523, T>A. VCF-style: chr3-149153523-T-A. GRCh37 (hg19) VCF-style: chr3-148871310-T-A.
Other names: c.780T>A, p.Cys260Ter (NM_001308258.2); short protein forms C260*, C425*.
Identifiers: ClinVar variation 1724828 (VCV001724828.2), dbSNP rs2108152614, ClinGen allele CA354918994.